The following is an entry in ClinVar:

NM_004999.4(MYO6):c.3567A>G (p.Lys1189=)

Gene: MYO6 (myosin VI; plus strand). Cytogenetic location: 6q14.1.
Variant type: single nucleotide variant.
Coding change: c.3567A>G on transcript NM_004999.4 (MANE Select); coding-DNA position 3567, A replaced by G.
Protein change: p.Lys1189=; no amino-acid change (lysine 1189 retained).
Molecular consequence: synonymous variant. On other transcripts: non-coding transcript variant (1).
Genome position (GRCh38, 1-based): chr6:75,914,190, A>G. VCF-style: chr6-75914190-A-G. GRCh37 (hg19) VCF-style: chr6-76623907-A-G.
Other names: c.3498A>G, p.Lys1166= (NM_001300899.2); c.3471A>G, p.Lys1157= (NM_001368136.1); c.3528A>G, p.Lys1176= (NM_001368137.1); c.3483A>G, p.Lys1161= (NM_001368138.1); c.3594A>G, p.Lys1198= (NM_001368865.1); c.3567A>G, p.Lys1189= (NM_001368866.1).
Identifiers: ClinVar variation 2977550 (VCV002977550.3), dbSNP rs1437192215, ClinGen allele CA450938538.
Genomic context (GRCh38, chr6:75,914,190, plus strand): 5'-CTTCTTCCGCATCCCATTCATCCGCCCTGCCGACCAGTACAAAGACCCTCAGAGTAAGAA[A>G]AAAGGCTGGTGGTATGCCCATTTTGATGGACCATGGATTGCCCGGCAAATGGAACTCCAT-3'
Protein context (NP_004990.3, residues 1179-1199): ADQYKDPQSK[Lys1189=]KGWWYAHFDG

ClinVar aggregate classification (germline): Uncertain significance (1 of 4 stars; one submission).

Allele frequency attached by ClinVar (database versions not stated): gnomAD exomes below 0.00001; TOPMed 0.00002; gnomAD 0.00003.
gnomAD v4.1: 7 of 1,614,074 alleles (0.00043%); highest among the groups gnomAD compares: African/African-American, 0.008%; no homozygotes.

Submission:

Labcorp Genetics (formerly Invitae), Labcorp
Classification: Uncertain significance. Last evaluated: 2023-04-22. Review status: criteria provided, single submitter. Criteria: Invitae Variant Classification Sherloc (09022015). Collection method: clinical testing. Allele origin: germline.
Comment: In summary, the available evidence is currently insufficient to determine the role of this variant in disease. Therefore, it has been classified as a Variant of Uncertain Significance. Algorithms developed to predict the effect of sequence changes on RNA splicing suggest that this variant may disrupt the consensus splice site. This variant has not been reported in the literature in individuals affected with MYO6-related conditions. This variant is present in population databases (no rsID available, gnomAD 0.01%). This sequence change affects codon 1189 of the MYO6 mRNA. It is a 'silent' change, meaning that it does not change the encoded amino acid sequence of the MYO6 protein.